The following is an entry in ClinVar:

NM_001394372.1(BICRA):c.1951_1965del (p.Pro651_Ala655del)

Gene: BICRA (BRD4 interacting chromatin remodeling complex associated protein; plus strand). Cytogenetic location: 19q13.33.
Variant type: Deletion.
Coding change: c.1951_1965del on transcript NM_001394372.1 (MANE Select); coding-DNA positions 1951 to 1965, 15 bases deleted (CCCACCCCACAGGCC).
Protein change: p.Pro651_Ala655del.
Genome position (GRCh38, 1-based): chr19:47,681,121-47,681,135, CCCACCCCACAGGCC deleted; deleting any 15 consecutive bases within chr19:47,681,115-47,681,135 gives the same sequence; the c. name uses the placement nearest the transcript's 3' end. VCF-style (leftmost placement, unchanged base first): chr19-47681114-GCAGGCCCCCACCCCA-G. GRCh37 (hg19) VCF-style: chr19-48184371-GCAGGCCCCCACCCCA-G.
Other names: c.1951_1965del, p.Pro651_Ala655del (NM_015711.3).
Identifiers: ClinVar variation 3364528 (VCV003364528.1).

ClinVar aggregate classification (germline): Uncertain significance (1 of 4 stars; one submission).

Submission:

GeneDx
Classification: Uncertain significance. Last evaluated: 2023-11-26. Review status: criteria provided, single submitter. Criteria: GeneDx Variant Classification Process June 2021. Collection method: clinical testing. Allele origin: germline. Affected: yes.
Comment: Not observed at significant frequency in large population cohorts (gnomAD); In-frame deletion of 5 amino acids in a non-repeat region; In silico analysis supports that this variant does not alter protein structure/function; Has not been previously published as pathogenic or benign to our knowledge